The following is an entry in ClinVar:

ClinVar aggregate classification (germline): Uncertain significance (1 of 4 stars; one submission).

Submission:

GeneDx
Classification: Uncertain significance. Last evaluated: 2026-04-08. Review status: criteria provided, single submitter. Criteria: GeneDx Variant Classification Process June 2021. Collection method: clinical testing. Allele origin: germline.
Comment: Not observed at significant frequency in large population cohorts (gnomAD); In silico analysis supports that this missense variant has a deleterious effect on protein structure/function; Has not been previously published as pathogenic or benign to our knowledge

NM_000052.7(ATP7A):c.3106C>T (p.His1036Tyr)

Gene: ATP7A (ATPase copper transporting alpha; plus strand). Cytogenetic location: Xq21.1.
Variant type: single nucleotide variant.
Coding change: c.3106C>T on transcript NM_000052.7 (MANE Select); coding-DNA position 3106, C replaced by T.
Protein change: p.His1036Tyr; replaces histidine 1036 with tyrosine.
Molecular consequence: missense variant.
Genome position (GRCh38, 1-based): chrX:78,029,439, C>T. VCF-style: chrX-78029439-C-T. GRCh37 (hg19) VCF-style: chrX-77284936-C-T.
Other names: c.2872C>T, p.His958Tyr (NM_001282224.2); short protein forms H1036Y, H958Y.
Identifiers: ClinVar variation 5018371 (VCV005018371.1).